The following is an entry in ClinVar:

NM_019066.5(MAGEL2):c.2901G>A (p.Leu967=)

Gene: MAGEL2 (MAGE family member L2; minus strand). Cytogenetic location: 15q11.2.
Variant type: single nucleotide variant.
Coding change: c.2901G>A on transcript NM_019066.5 (MANE Select); coding-DNA position 2901, G replaced by A.
Protein change: p.Leu967=; no amino-acid change (leucine 967 retained).
Molecular consequence: synonymous variant.
Genome position (GRCh38, 1-based): chr15:23,644,842, C>T on the plus strand (G>A on the coding strand, the complement: MAGEL2 is on the minus strand). VCF-style: chr15-23644842-C-T. GRCh37 (hg19) VCF-style: chr15-23889989-C-T.
Identifiers: ClinVar variation 2016145 (VCV002016145.4), dbSNP rs562929572, ClinGen allele CA489228907.

ClinVar aggregate classification (germline): Uncertain significance (1 of 4 stars; one submission).

gnomAD v4.1: 2 of 1,612,312 alleles (0.00012%); highest among the groups gnomAD compares: Non-Finnish European, 0.000085%; no homozygotes.

Submission:

Labcorp Genetics (formerly Invitae), Labcorp
Classification: Uncertain significance. Last evaluated: 2022-10-13. Review status: criteria provided, single submitter. Criteria: Invitae Variant Classification Sherloc (09022015). Collection method: clinical testing. Allele origin: germline.
Comment: This sequence change affects codon 967 of the MAGEL2 mRNA. It is a 'silent' change, meaning that it does not change the encoded amino acid sequence of the MAGEL2 protein. This variant is not present in population databases (gnomAD no frequency). This variant has not been reported in the literature in individuals affected with MAGEL2-related conditions. In summary, the available evidence is currently insufficient to determine the role of this variant in disease. Therefore, it has been classified as a Variant of Uncertain Significance.